The following is an entry in ClinVar:

NM_004260.4(RECQL4):c.1042C>A (p.His348Asn)

Gene: RECQL4 (RecQ like helicase 4; minus strand). Cytogenetic location: 8q24.3.
Variant type: single nucleotide variant.
Coding change: c.1042C>A on transcript NM_004260.4 (MANE Select); coding-DNA position 1042, C replaced by A.
Protein change: p.His348Asn; replaces histidine 348 with asparagine.
Molecular consequence: missense variant.
Genome position (GRCh38, 1-based): chr8:144,516,077, G>T on the plus strand (C>A on the coding strand, the complement: RECQL4 is on the minus strand). VCF-style: chr8-144516077-G-T. GRCh37 (hg19) VCF-style: chr8-145741461-G-T.
Other names: short protein forms H348N.
Identifiers: ClinVar variation 1468711 (VCV001468711.6), dbSNP rs1060501360, ClinGen allele CA372688238.

ClinVar aggregate classification (germline): Uncertain significance (1 of 4 stars; one submission).

Conditions:
Baller-Gerold syndrome (BGS). Also called: CRANIOSYNOSTOSIS WITH RADIAL DEFECTS. Identifiers: Orphanet 1225, MedGen C0265308, MONDO:0009039, OMIM 218600.

Allele frequency attached by ClinVar (database versions not stated): gnomAD exomes below 0.00001.
gnomAD v4.1: 2 of 1,612,690 alleles (0.00012%); highest among the groups gnomAD compares: Non-Finnish European, 0.00017%; no homozygotes.

Submission:

Labcorp Genetics (formerly Invitae), Labcorp
Classification: Uncertain significance for Baller-Gerold syndrome. Last evaluated: 2023-05-21. Review status: criteria provided, single submitter. Criteria: Invitae Variant Classification Sherloc (09022015). Collection method: clinical testing. Allele origin: germline.
Comment: In summary, the available evidence is currently insufficient to determine the role of this variant in disease. Therefore, it has been classified as a Variant of Uncertain Significance. Advanced modeling of protein sequence and biophysical properties (such as structural, functional, and spatial information, amino acid conservation, physicochemical variation, residue mobility, and thermodynamic stability) performed at Invitae indicates that this missense variant is not expected to disrupt RECQL4 protein function. ClinVar contains an entry for this variant (Variation ID: 1468711). This variant has not been reported in the literature in individuals affected with RECQL4-related conditions. This variant is not present in population databases (gnomAD no frequency). This sequence change replaces histidine, which is basic and polar, with asparagine, which is neutral and polar, at codon 348 of the RECQL4 protein (p.His348Asn).